The following is an entry in ClinVar:

ClinVar aggregate classification (germline): Likely pathogenic (1 of 4 stars; one submission).

Submission:

Labcorp Genetics (formerly Invitae), Labcorp
Classification: Likely pathogenic. Last evaluated: 2023-10-03. Review status: criteria provided, single submitter. Criteria: Invitae Variant Classification Sherloc (09022015). Collection method: clinical testing. Allele origin: germline.
Comment: This sequence change affects an acceptor splice site in intron 2 of the C5 gene. It is expected to disrupt RNA splicing. Variants that disrupt the donor or acceptor splice site typically lead to a loss of protein function (PMID: 16199547), and loss-of-function variants in C5 are known to be pathogenic (PMID: 7730648, 19414197, 27026170). This variant is not present in population databases (gnomAD no frequency). This variant has not been reported in the literature in individuals affected with C5-related conditions. Algorithms developed to predict the effect of sequence changes on RNA splicing suggest that this variant may disrupt the consensus splice site. In summary, the currently available evidence indicates that the variant is pathogenic, but additional data are needed to prove that conclusively. Therefore, this variant has been classified as Likely Pathogenic.

Literature cited by the submitters: PubMed 16199547; PubMed 7730648; PubMed 19414197; PubMed 27026170.

NM_001735.3(C5):c.259-2A>G

Gene: C5 (complement C5; minus strand). Cytogenetic location: 9q33.2.
Variant type: single nucleotide variant.
Coding change: c.259-2A>G on transcript NM_001735.3 (MANE Select); the canonical splice acceptor site of the intron before coding-DNA position 259, A replaced by G.
Molecular consequence: splice acceptor variant.
Genome position (GRCh38, 1-based): chr9:121,043,168, T>C on the plus strand (A>G on the coding strand, the complement: C5 is on the minus strand). VCF-style: chr9-121043168-T-C. GRCh37 (hg19) VCF-style: chr9-123805446-T-C.
Other names: c.277-2A>G (NM_001317163.2); c.259-2A>G (NM_001317164.2).
Identifiers: ClinVar variation 2707957 (VCV002707957.3), dbSNP rs2540458625, ClinGen allele CA374730365.